The following is an entry in ClinVar:

NM_000218.3(KCNQ1):c.1760C>T (p.Thr587Met)

Gene: KCNQ1 (potassium voltage-gated channel subfamily Q member 1; plus strand). Cytogenetic location: 11p15.5.
Variant type: single nucleotide variant.
Coding change: c.1760C>T on transcript NM_000218.3 (MANE Select); coding-DNA position 1760, C replaced by T.
Protein change: p.Thr587Met; replaces threonine 587 with methionine.
Molecular consequence: missense variant.
Genome position (GRCh38, 1-based): chr11:2,778,003, C>T. VCF-style: chr11-2778003-C-T. GRCh37 (hg19) VCF-style: chr11-2799233-C-T.
Other names: p.T587M:ACG>ATG; c.1664C>T, p.Thr555Met (NM_001406836.1); c.1490C>T, p.Thr497Met (NM_001406837.1); c.1220C>T, p.Thr407Met (NM_001406838.1); c.272C>T, p.Thr91Met (NM_001406839.1); c.1379C>T, p.Thr460Met (NM_181798.2); c.1760C>T (LRG_287t1); short protein forms T587M, T460M, T555M, T497M, T91M, T407M.
Identifiers: ClinVar variation 3138 (VCV000003138.26), dbSNP rs120074189, ClinGen allele CA006328.

ClinVar aggregate classification (germline): Pathogenic. Review status: criteria provided, multiple submitters, no conflicts (2 of 4 stars). 10 submissions from 10 submitters: Pathogenic (7). 3 of the submissions do not count toward it. Last evaluated 2026-01-05.

Conditions:
KCNQ1-related disorder. Also called: KCNQ1-related disorders; KCNQ1-related condition. Identifiers: MedGen CN239322.
Cardiovascular phenotype. Identifiers: MedGen CN230736.
Familial long QT syndrome (RWS). Also called: Romano-Ward syndrome; VENTRICULAR FIBRILLATION WITH PROLONGED QT INTERVAL; Congenital long QT syndrome. Identifiers: Orphanet 768, MedGen C1141890, MONDO:0019171.
Long QT syndrome (LQTS). Identifiers: MedGen C0023976, MeSH D008133, MONDO:0002442. Disease mechanism: loss of function. Inheritance: Various modes of inheritance.
Jervell and Lange-Nielsen syndrome 1 (JLNS1). Also called: PROLONGED QT INTERVAL IN EKG AND SUDDEN DEATH; SURDO-CARDIAC SYNDROME; CARDIOAUDITORY SYNDROME OF JERVELL AND LANGE-NIELSEN; DEAFNESS, CONGENITAL, AND FUNCTIONAL HEART DISEASE. Identifiers: Orphanet 768, Orphanet 90647, MedGen C4551509, MONDO:0024540, OMIM 220400.
Long QT syndrome 1 (LQT1). Identifiers: Orphanet 101016, Orphanet 768, MedGen C4551647, MONDO:0100316, OMIM 192500, MONDO:0008646.

Allele frequency attached by ClinVar (database versions not stated): gnomAD exomes below 0.00001.
gnomAD v4.1: 1 of 1,613,776 alleles (0.000062%); highest among the groups gnomAD compares: Non-Finnish European, 0.000085%; no homozygotes.

Submissions (10):

GeneDx
Classification: Pathogenic. Last evaluated: 2026-01-05. Review status: criteria provided, single submitter. Criteria: GeneDx Variant Classification Process June 2021. Collection method: clinical testing. Allele origin: germline. Affected: yes.
Comment: Identified in patients with LQTS referred for genetic testing at GeneDx and in published literature (PMID: 9799083, 11162126, 12702160, 15234419, 19716085, 22949429, 24217263); Reported in individuals with JLNS who harbored a second loss-of-function variant in the KCNQ1 gene (PMID: 10024302, 27451284); Published functional studies demonstrate a damaging effect as it impairs protein trafficking and alters both KCNQ1- and KCNH2-associated delayed rectifier current (PMID: 11162126, 19959132, 20348026); In silico analysis supports that this missense variant has a deleterious effect on protein structure/function; Not observed at significant frequency in large population cohorts (gnomAD); This variant is associated with the following publications: (PMID: 9799083, 19841300, 22677073, 30591322, 34505893, 19959132, 11162126, 20348026, 19716085, 15140888, 28292826, 25854863, 26669661, 26675252, 22727609, 22949429, 12702160, 20487114, 24217263, 10024302, 15234419, 30369311, 18752142, 31737537, 32383558, 17329207, 30613966, 27451284)

Labcorp Genetics (formerly Invitae), Labcorp
Classification: Pathogenic for Long QT syndrome. Last evaluated: 2025-11-10. Review status: criteria provided, single submitter. Criteria: Invitae Variant Classification Sherloc (09022015). Collection method: clinical testing. Allele origin: germline.
Comment: This sequence change replaces threonine, which is neutral and polar, with methionine, which is neutral and non-polar, at codon 587 of the KCNQ1 protein (p.Thr587Met). This variant is not present in population databases (gnomAD no frequency). This missense change has been observed in individual(s) with long QT syndrome (PMID: 9799083, 10024302, 11162126, 15234419, 18752142, 20487114, 24217263). In at least one individual the data is consistent with being in trans (on the opposite chromosome) from a pathogenic variant. ClinVar contains an entry for this variant (Variation ID: 3138). Invitae Evidence Modeling of protein sequence and biophysical properties (such as structural, functional, and spatial information, amino acid conservation, physicochemical variation, residue mobility, and thermodynamic stability) has been performed for this missense variant. However, the output from this modeling did not meet the statistical confidence thresholds required to predict the impact of this variant on KCNQ1 protein function. Experimental studies have shown that this missense change affects KCNQ1 function (PMID: 11162126, 19959132, 20348026). For these reasons, this variant has been classified as Pathogenic.

Blueprint Genetics
Classification: Pathogenic for KCNQ1-related disorders. Last evaluated: 2024-08-28. Review status: criteria provided, single submitter. Criteria: ACMG Guidelines, 2015. Collection method: clinical testing. Allele origin: germline. Affected: yes. Observed: 5 variant alleles.

Ambry Genetics
Classification: Pathogenic for Cardiovascular phenotype. Last evaluated: 2024-05-31. Review status: criteria provided, single submitter. Criteria: Ambry Variant Classification Scheme 2023. Collection method: clinical testing. Allele origin: germline.
Comment: The p.T587M pathogenic mutation (also known as c.1760C>T), located in coding exon 15 of the KCNQ1 gene, results from a C to T substitution at nucleotide position 1760. The threonine at codon 587 is replaced by methionine, an amino acid with some similar properties. This alteration has been described in association with long QT syndrome in a number of individuals from various ethnic groups (Itoh T et al. Hum Genet. 1998;103(3):290-4; Yamashita F et al. J Mol Cell Cardiol. 2001;33(2):197-207; Berge KE et al. Scand J Clin Lab Invest. 2008;68(5):362-8; Kapplinger JD et al. Heart Rhythm. 2009;6(9):1297-303; Furushima H et al. J Cardiovasc Electrophysiol. 2010;21(10):1170-3; Giudicessi JR et al. Circ Cardiovasc Genet. 2012;5(5):519-28; Hedley PL et al. Cardiovasc J Afr. 2013;24(6):231-7). In one case, this alteration was reported to occur de novo in an individual with Jervell and Lange-Nielsen syndrome who also was reported to carry a KCNQ1 splice alteration in trans (Neyroud N et al. Circ Res. 1999;84(3):290-7). Studies by different groups have suggested this alteration to result in abnormal protein trafficking, and in vitro studies have reported this alteration to result in non-functional channels (Yamashita F et al. J Mol Cell Cardiol. 2001;33(2):197-207; Biliczki P et al. Heart Rhythm. 2009; 6(12):1792-801). Furthermore, this alteration was reported to affect KCNH2 protein localization, and to not properly induce current amplitude as compared to wild type protein (Biliczki P et al. Heart Rhythm. 2009;6(12):1792-801; Hayashi K et al. Heart Rhythm. 2010;7(7):973-80). This variant is considered to be rare based on population cohorts in the Genome Aggregation Database (gnomAD). In addition, this alteration is predicted to be deleterious by in silico analysis. Based on the supporting evidence, this alteration is interpreted as a disease-causing mutation.

Mayo Clinic Laboratories, Mayo Clinic
Classification: Pathogenic. Last evaluated: 2024-01-25. Review status: criteria provided, single submitter. Criteria: ACMG Guidelines, 2015. Collection method: clinical testing. Allele origin: germline. Observed: 2 variant alleles.
Comment: PP1, PP3, PM2_supporting, PM3, PM6, PS3, PS4

Molecular Genetics Laboratory - Cardiogenetics, CHU de Nantes
Classification: Pathogenic for Long QT syndrome 1. Last evaluated: 2023-08-01. Review status: criteria provided, single submitter. Criteria: ACMG Guidelines, 2015. Collection method: clinical testing. Allele origin: germline. Affected: yes.

Molecular Diagnostic Laboratory for Inherited Cardiovascular Disease, Montreal Heart Institute
Classification: Pathogenic for Long QT syndrome. Review status: criteria provided, single submitter. Criteria: ACMG Guidelines, 2015. Collection method: clinical testing. Allele origin: germline. Affected: yes.

PreventionGenetics, part of Exact Sciences
Classification: Pathogenic for KCNQ1-related condition. Last evaluated: 2024-05-07. Review status: no assertion criteria provided. Collection method: clinical testing. Allele origin: germline. Not counted in ClinVar's aggregate classification.
Comment: The KCNQ1 c.1760C>T variant is predicted to result in the amino acid substitution p.Thr587Met. This variant was reported in numerous individuals with Long QT syndrome (Schwartz et al. 2021. PubMed ID: 34505893; Westphal et al. 2020. PubMed ID: 32383558; Yamashita et al. 2001. PubMed ID: 11162126). Functional studies suggest this variant compromises the structure and function of Kv7 potassium ion channels, which are important in cardiac and other tissues (Howard et al. 2007. PubMed ID: 17329207). This variant has not been reported in a large population database, indicating this variant is rare. This variant is interpreted as pathogenic.

OMIM
Classification: Pathogenic for JERVELL AND LANGE-NIELSEN SYNDROME 1. Last evaluated: 1999-02-19. Review status: no assertion criteria provided. Collection method: literature only. Allele origin: germline. Not counted in ClinVar's aggregate classification.

Cardiovascular Biomedical Research Unit, Royal Brompton & Harefield NHS Foundation Trust
No classification provided. Condition: Familial long QT syndrome. Review status: no classification provided. Collection method: literature only. Allele origin: germline. Not counted in ClinVar's aggregate classification.
Comment: This variant has been reported as associated with Long QT syndrome in the following publications (PMID:9799083;PMID:10024302;PMID:11162126;PMID:12702160;PMID:15840476;PMID:17329209;PMID:18752142;PMID:19716085;PMID:19841300;PMID:19959132;PMID:15234419;PMID:17329207;PMID:9386136;PMID:20348026). This is a literature report, and does not necessarily reflect the clinical interpretation of the Imperial College / Royal Brompton Cardiovascular Genetics laboratory.

Literature cited by the submitters: PubMed 9799083 (cited by 4 submitters); PubMed 10024302 (cited by 5 submitters); PubMed 11162126 (cited by 4 submitters); PubMed 15234419 (cited by 3 submitters); PubMed 18752142 (cited by 4 submitters); PubMed 20487114 (cited by 3 submitters); PubMed 24217263 (cited by 3 submitters); PubMed 19959132 (cited by 4 submitters); PubMed 20348026 (cited by 4 submitters); PubMed 19716085 (cited by Ambry Genetics and Cardiovascular Biomedical Research Unit, Royal Brompton & Harefield NHS Foundation Trust); PubMed 22949429 (cited by Ambry Genetics and Mayo Clinic Laboratories, Mayo Clinic); PubMed 27451284 (cited by Ambry Genetics and Mayo Clinic Laboratories, Mayo Clinic); PubMed 30591322 (cited by Ambry Genetics and Mayo Clinic Laboratories, Mayo Clinic); PubMed 12702160 (cited by Mayo Clinic Laboratories, Mayo Clinic and Cardiovascular Biomedical Research Unit, Royal Brompton & Harefield NHS Foundation Trust); PubMed 15840476 (cited by Mayo Clinic Laboratories, Mayo Clinic and Cardiovascular Biomedical Research Unit, Royal Brompton & Harefield NHS Foundation Trust); PubMed 19841300 (cited by Mayo Clinic Laboratories, Mayo Clinic and Cardiovascular Biomedical Research Unit, Royal Brompton & Harefield NHS Foundation Trust); PubMed 31737537 (cited by Mayo Clinic Laboratories, Mayo Clinic); PubMed 32383558 (cited by Mayo Clinic Laboratories, Mayo Clinic); PubMed 34505893 (cited by Mayo Clinic Laboratories, Mayo Clinic); PubMed 17329209 (cited by Cardiovascular Biomedical Research Unit, Royal Brompton & Harefield NHS Foundation Trust); PubMed 17329207 (cited by Cardiovascular Biomedical Research Unit, Royal Brompton & Harefield NHS Foundation Trust); PubMed 9386136 (cited by Cardiovascular Biomedical Research Unit, Royal Brompton & Harefield NHS Foundation Trust); PubMed 22581653 (cited by Cardiovascular Biomedical Research Unit, Royal Brompton & Harefield NHS Foundation Trust).